The following is an entry in ClinVar:

ClinVar aggregate classification (germline): Likely benign. Review status: criteria provided, multiple submitters, no conflicts (2 of 4 stars). 3 submissions from 3 submitters: Likely benign (3). Last evaluated 2025-02-26.

Conditions:
Familial adenomatous polyposis 2. Also called: ADENOMAS, MULTIPLE COLORECTAL, AUTOSOMAL RECESSIVE; MYH-associated polyposis; Adenomas, multiple colorectal; MUTYH Polyposis; COLORECTAL ADENOMATOUS POLYPOSIS, AUTOSOMAL RECESSIVE; FAP type 2. Identifiers: Orphanet 220460, Orphanet 247798, MedGen C3272841, MONDO:0012041, OMIM 608456.

Submissions (3):

Quest Diagnostics Nichols Institute San Juan Capistrano
Classification: Likely benign. Last evaluated: 2025-02-26. Review status: criteria provided, single submitter. Criteria: Quest Diagnostics criteria. Collection method: clinical testing. Allele origin: unknown.

Labcorp Genetics (formerly Invitae), Labcorp
Classification: Likely benign for Familial adenomatous polyposis 2. Last evaluated: 2022-09-23. Review status: criteria provided, single submitter. Criteria: Invitae Variant Classification Sherloc (09022015). Collection method: clinical testing. Allele origin: germline.

GeneDx
Classification: Likely benign. Last evaluated: 2016-07-11. Review status: criteria provided, single submitter. Criteria: GeneDx Variant Classification (06012015). Collection method: clinical testing. Allele origin: germline. Affected: yes.
Comment: This variant is considered likely benign or benign based on one or more of the following criteria: it is a conservative change, it occurs at a poorly conserved position in the protein, it is predicted to be benign by multiple in silico algorithms, and/or has population frequency not consistent with disease.

NM_001048174.2(MUTYH):c.960C>A (p.Pro320=)

Gene: MUTYH (mutY DNA glycosylase; minus strand). Cytogenetic location: 1p34.1.
Variant type: single nucleotide variant.
Coding change: c.960C>A on transcript NM_001048174.2 (MANE Select); coding-DNA position 960, C replaced by A.
Protein change: p.Pro320=; no amino-acid change (proline 320 retained).
Molecular consequence: synonymous variant. On other transcripts: non-coding transcript variant (2).
Genome position (GRCh38, 1-based): chr1:45,331,803, G>T on the plus strand (C>A on the coding strand, the complement: MUTYH is on the minus strand). VCF-style: chr1-45331803-G-T. GRCh37 (hg19) VCF-style: chr1-45797475-G-T.
Other names: c.960C>A, p.Pro320= (NM_001048171.2, NM_001048173.2, NM_001293195.2); c.963C>A, p.Pro321= (NM_001048172.2); c.1044C>A, p.Pro348= (NM_001128425.2); c.1005C>A, p.Pro335= (NM_001293190.2); c.993C>A, p.Pro331= (NM_001293191.2); c.684C>A, p.Pro228= (NM_001293192.2, NM_001293196.2); c.615C>A, p.Pro205= (NM_001350650.2, NM_001350651.2); c.1035C>A, p.Pro345= (NM_012222.3).
Identifiers: ClinVar variation 387729 (VCV000387729.9), dbSNP rs1057522889, ClinGen allele CA16603729.
Genomic context (GRCh38, chr1:45,331,803, plus strand): 5'-CCTGGGGGGCTTGCGGCTGGCCTTTCTGGGGAAGTTGACCACTCCCAGGGTCTGGTCCCA[G>T]GGCTCCGAGGGAGGCAGGCACAGGTGGCACTGTCCAGTGTTGGGAGCTGGGAACGGAGAT-3'
Protein context (NP_001041639.1, residues 310-330): QCHLCLPPSE[Pro320=]WDQTLGVVNF